The following is an entry in ClinVar:

ClinVar aggregate classification (germline): Likely pathogenic (1 of 4 stars; one submission).

Conditions:
Pseudo-TORCH syndrome 1 (PTORCH1). Identifiers: Orphanet 1229, MedGen C4552078, MONDO:0020789, OMIM 251290.

Submission:

Lifecell International Pvt. Ltd
Classification: Likely pathogenic for Pseudo-TORCH syndrome 1. Review status: criteria provided, single submitter. Criteria: ACMG Guidelines, 2015. Collection method: clinical testing. Allele origin: germline. Inheritance: Autosomal recessive inheritance. Affected: yes. Observed: 1 homozygote.
Comment: A Homozygote Frameshift variant c.1541delT in Exon 9 of the OCLN gene that results in the amino acid substitution p.Gly515fs*9 was identified. The observed variant has a minor allele frequency of 0.00% in gnomAD exomes and genomes, respectively. The severity of the impact of this variant on the protein is high, based on the effect of the protein and REVEL score. Rare Exome Variant Ensemble Learner (REVEL) is an ensembl method for predicting the pathogenicity of missense variants based on a combination of scores from 13 individual tools: MutPred, FATHMM v2.3, VEST 3.0, PolyPhen-2, SIFT, PROVEAN, Mutation Assessor, MutationTaster, LRT, GERP++, SiPhy, phyloP, and phastCons. The REVEL score for an individual missense variant can range from 0 to 1, with higher scores reflecting greater likelihood that the variant is disease-causing. Based on the above evidence this variant has been classified as Likely Pathogenic according to the ACMG guidelines.

NM_001205254.2(OCLN):c.1542del (p.Gly515fs)

Gene: OCLN (occludin; plus strand). Cytogenetic location: 5q13.2.
Variant type: Deletion.
Coding change: c.1542del on transcript NM_001205254.2 (MANE Select); coding-DNA position 1542, one base deleted (T; older notation c.1542delT).
Protein change: p.Gly515fs; shifts the reading frame from glycine 515.
Molecular consequence: frameshift variant.
Genome position (GRCh38, 1-based): chr5:69,553,644, T deleted; the last of 2 consecutive T bases (chr5:69,553,643-69,553,644); deleting either gives the same sequence. VCF-style (leftmost placement, unchanged base first): chr5-69553642-GT-G. GRCh37 (hg19) VCF-style: chr5-68849469-GT-G.
Other names: c.789delT, p.Gly264Glufs (NM_001205255.2); c.1380del, p.Gly461fs (NM_001410743.1); c.1542del, p.Gly515fs (NM_002538.4); c.1541delT (NM_002538.4); short protein forms G264fs, G461fs, G515fs.
Identifiers: ClinVar variation 2446043 (VCV002446043.2), dbSNP rs2531231205, ClinGen allele CA2580073392.